The following is an entry in ClinVar:

NM_177550.5(SLC13A5):c.490G>A (p.Ala164Thr)

Gene: SLC13A5 (solute carrier family 13 member 5; minus strand). Cytogenetic location: 17p13.1.
Variant type: single nucleotide variant.
Coding change: c.490G>A on transcript NM_177550.5 (MANE Select); coding-DNA position 490, G replaced by A.
Protein change: p.Ala164Thr; replaces alanine 164 with threonine.
Molecular consequence: missense variant.
Genome position (GRCh38, 1-based): chr17:6,703,935, C>T on the plus strand (G>A on the coding strand, the complement: SLC13A5 is on the minus strand). VCF-style: chr17-6703935-C-T. GRCh37 (hg19) VCF-style: chr17-6607254-C-T.
Other names: c.490G>A, p.Ala164Thr (NM_001143838.3); c.439G>A, p.Ala147Thr (NM_001284509.2); c.361G>A, p.Ala121Thr (NM_001284510.2); short protein forms A121T, A147T, A164T.
Identifiers: ClinVar variation 1011665 (VCV001011665.6), dbSNP rs769026137, ClinGen allele CA8331702.

ClinVar aggregate classification (germline): Uncertain significance (1 of 4 stars; one submission).

Conditions:
Developmental and epileptic encephalopathy, 25 (DEE25). Also called: Epileptic encephalopathy, early infantile, 25; Developmental and epileptic encephalopathy 25, with amelogenesis imperfecta; Epileptic encephalopathy, early infantile, 25, with amelogenesis imperfecta. Identifiers: Orphanet 442835, MedGen C4014621, MONDO:0014392, OMIM 615905.

Allele frequency attached by ClinVar (database versions not stated): ExAC 0.00001; gnomAD exomes 0.00001.
gnomAD v4.1: 10 of 1,604,626 alleles (0.00062%); highest among the groups gnomAD compares: Middle Eastern, 0.017%; no homozygotes.

Submission:

Labcorp Genetics (formerly Invitae), Labcorp
Classification: Uncertain significance for Developmental and epileptic encephalopathy, 25. Last evaluated: 2022-07-14. Review status: criteria provided, single submitter. Criteria: Invitae Variant Classification Sherloc (09022015). Collection method: clinical testing. Allele origin: germline.
Comment: This sequence change replaces alanine, which is neutral and non-polar, with threonine, which is neutral and polar, at codon 164 of the SLC13A5 protein (p.Ala164Thr). The frequency data for this variant in the population databases is considered unreliable, as metrics indicate poor data quality at this position in the gnomAD database. This variant has not been reported in the literature in individuals affected with SLC13A5-related conditions. ClinVar contains an entry for this variant (Variation ID: 1011665). Algorithms developed to predict the effect of missense changes on protein structure and function output the following: SIFT: "Tolerated"; PolyPhen-2: "Benign"; Align-GVGD: "Class C0". The threonine amino acid residue is found in multiple mammalian species, which suggests that this missense change does not adversely affect protein function. In summary, the available evidence is currently insufficient to determine the role of this variant in disease. Therefore, it has been classified as a Variant of Uncertain Significance.